The following is an entry in ClinVar:

ClinVar aggregate classification (germline): Conflicting classifications of pathogenicity. Review status: criteria provided, conflicting classifications (1 of 4 stars). 3 submissions from 3 submitters: Uncertain significance (2); Likely benign (1). Last evaluated 2025-07-03.

Conditions:
Fanconi anemia complementation group P. Also called: SLX4-Related Fanconi Anemia. Identifiers: Orphanet 84, MedGen C3469542, MONDO:0013499, OMIM 613951.
Fanconi anemia (FA). Also called: Fanconi's anemia. Identifiers: Orphanet 84, MedGen C0015625, MeSH D005199, MONDO:0019391.
Inborn genetic diseases. Identifiers: MedGen C0950123, MeSH D030342.

Allele frequency attached by ClinVar (database versions not stated): gnomAD below 0.00001; ExAC 0.00015; gnomAD exomes 0.00016; 1000 Genomes Project 0.00020; 1000 Genomes Project 30x 0.00031.
gnomAD v4.1: 110 of 1,614,040 alleles (0.0068%); highest among the groups gnomAD compares: South Asian, 0.11%; 1 homozygote.

Submissions (3):

Ambry Genetics
Classification: Likely benign for Inborn genetic diseases. Last evaluated: 2025-07-03. Review status: criteria provided, single submitter. Criteria: Ambry Variant Classification Scheme 2023. Collection method: clinical testing. Allele origin: germline.

Labcorp Genetics (formerly Invitae), Labcorp
Classification: Uncertain significance for Fanconi anemia. Last evaluated: 2025-03-24. Review status: criteria provided, single submitter. Criteria: Invitae Variant Classification Sherloc (09022015). Collection method: clinical testing. Allele origin: germline.
Comment: This sequence change replaces lysine, which is basic and polar, with glutamine, which is neutral and polar, at codon 1112 of the SLX4 protein (p.Lys1112Gln). This variant is present in population databases (rs570382990, gnomAD 0.1%). This variant has not been reported in the literature in individuals affected with SLX4-related conditions. ClinVar contains an entry for this variant (Variation ID: 1003554). An algorithm developed to predict the effect of missense changes on protein structure and function (PolyPhen-2) suggests that this variant is likely to be disruptive. In summary, the available evidence is currently insufficient to determine the role of this variant in disease. Therefore, it has been classified as a Variant of Uncertain Significance.

Fulgent Genetics
Classification: Uncertain significance for Fanconi anemia complementation group P. Last evaluated: 2024-06-20. Review status: criteria provided, single submitter. Criteria: ACMG Guidelines, 2015. Collection method: clinical testing. Allele origin: germline.

NM_032444.4(SLX4):c.3334A>C (p.Lys1112Gln)

Gene: SLX4 (SLX4 structure-specific endonuclease subunit; minus strand). Cytogenetic location: 16p13.3.
Variant type: single nucleotide variant.
Coding change: c.3334A>C on transcript NM_032444.4 (MANE Select); coding-DNA position 3334, A replaced by C.
Protein change: p.Lys1112Gln; replaces lysine 1112 with glutamine.
Molecular consequence: missense variant.
Genome position (GRCh38, 1-based): chr16:3,590,304, T>G on the plus strand (A>C on the coding strand, the complement: SLX4 is on the minus strand). VCF-style: chr16-3590304-T-G. GRCh37 (hg19) VCF-style: chr16-3640305-T-G.
Other names: c.3334A>C (NM_032444.2); short protein forms K1112Q.
Identifiers: ClinVar variation 1003554 (VCV001003554.11), dbSNP rs570382990, ClinGen allele CA7865939.